The following is an entry in ClinVar:

NM_138773.4(SLC25A46):c.524G>T (p.Gly175Val)

Gene: SLC25A46 (solute carrier family 25 member 46; plus strand). Cytogenetic location: 5q22.1.
Variant type: single nucleotide variant.
Coding change: c.524G>T on transcript NM_138773.4 (MANE Select); coding-DNA position 524, G replaced by T.
Protein change: p.Gly175Val; replaces glycine 175 with valine.
Molecular consequence: missense variant. On other transcripts: non-coding transcript variant (1).
Genome position (GRCh38, 1-based): chr5:110,748,224, G>T. VCF-style: chr5-110748224-G-T. GRCh37 (hg19) VCF-style: chr5-110083925-G-T.
Other names: c.524G>T, p.Gly175Val (NM_001303249.3); c.251G>T, p.Gly84Val (NM_001303250.3); short protein forms G175V, G84V.
Identifiers: ClinVar variation 1746351 (VCV001746351.2), dbSNP rs2547524088, ClinGen allele CA360694986.
Genomic context (GRCh38, chr5:110,748,224, plus strand): 5'-GACCTAGAGCCCTGTGGAAAGGAATGGGAAGTACATTTATTGTCCAGGGAGTCACACTTG[G>T]AGCAGAAGGCATAATTAGTGAATTTACACCTTTGCCAAGGTACCATTTTTAGCATTTCTT-3'
Protein context (NP_620128.1, residues 165-185): STFIVQGVTL[Gly175Val]AEGIISEFTP

ClinVar aggregate classification (germline): Uncertain significance (1 of 4 stars; one submission).

Conditions:
Inborn genetic diseases. Identifiers: MedGen C0950123, MeSH D030342.

Submission:

Ambry Genetics
Classification: Uncertain significance for Inborn genetic diseases. Last evaluated: 2020-03-05. Review status: criteria provided, single submitter. Criteria: Ambry Variant Classification Scheme 2023. Collection method: clinical testing. Allele origin: germline.
Comment: The p.G175V variant (also known as c.524G>T), located in coding exon 5 of the SLC25A46 gene, results from a G to T substitution at nucleotide position 524. The glycine at codon 175 is replaced by valine, an amino acid with dissimilar properties. This amino acid position is highly conserved in available vertebrate species. In addition, this alteration is predicted to be deleterious by in silico analysis. Since supporting evidence is limited at this time, the clinical significance of this alteration remains unclear.